The following is an entry in ClinVar:

NM_138295.5(PKD1L1):c.6736-7C>G

Gene: PKD1L1 (polycystin 1 like 1, transient receptor potential channel interacting; minus strand). Cytogenetic location: 7p12.3.
Variant type: single nucleotide variant.
Coding change: c.6736-7C>G on transcript NM_138295.5 (MANE Select); 7 bases into the intron before coding-DNA position 6736, C replaced by G.
Molecular consequence: intron variant.
Genome position (GRCh38, 1-based): chr7:47,827,475, G>C on the plus strand (C>G on the coding strand, the complement: PKD1L1 is on the minus strand). VCF-style: chr7-47827475-G-C. GRCh37 (hg19) VCF-style: chr7-47867073-G-C.
Identifiers: ClinVar variation 4977488 (VCV004977488.1).
Genomic context (GRCh38, chr7:47,827,475, plus strand): 5'-GGATGGTGGATGCGCCCAGCGCAGGTGGCGAGCTTGTTGTCGGGCAGCCAAGACCTGTCA[G>C]GGACAAGAGTGCTGTGAGCTGCGGGCTGGTGGGTGGAAGGAGAGAGGCCCCTGGTGCTCC-3'

ClinVar aggregate classification (germline): Likely benign (1 of 4 stars; one submission).

Conditions:
PKD1L1-related disorder. Also called: PKD1L1-related condition.

gnomAD v4.1: 145 of 1,603,890 alleles (0.009%); highest among the groups gnomAD compares: Non-Finnish European, 0.01%; 1 homozygote.

Submission:

PreventionGenetics, part of Exact Sciences
Classification: Likely benign for PKD1L1-related condition. Last evaluated: 2025-03-05. Review status: criteria provided, single submitter. Criteria: ACMG Guidelines, 2015. Collection method: clinical testing. Allele origin: germline.
Comment: This variant is classified as likely benign based on ACMG/AMP sequence variant interpretation guidelines (Richards et al. 2015 PMID: 25741868, with internal and published modifications).